The following is an entry in ClinVar:

NM_000094.4(COL7A1):c.8227-1G>A

Gene: COL7A1 (collagen type VII alpha 1 chain; minus strand). Cytogenetic location: 3p21.31.
Variant type: single nucleotide variant.
Coding change: c.8227-1G>A on transcript NM_000094.4 (MANE Select); the canonical splice acceptor site of the intron before coding-DNA position 8227, G replaced by A.
Molecular consequence: splice acceptor variant.
Genome position (GRCh38, 1-based): chr3:48,566,738, C>T on the plus strand (G>A on the coding strand, the complement: COL7A1 is on the minus strand). VCF-style: chr3-48566738-C-T. GRCh37 (hg19) VCF-style: chr3-48604171-C-T.
Identifiers: ClinVar variation 3589240 (VCV003589240.3).

ClinVar aggregate classification (germline): Pathogenic/Likely pathogenic. Review status: criteria provided, multiple submitters, no conflicts (2 of 4 stars). 2 submissions from 2 submitters: Pathogenic (1); Likely pathogenic (1). Last evaluated 2024-11-21.

Conditions:
Nonsyndromic congenital nail disorder 8. Also called: TOENAIL DYSTROPHY, ISOLATED. Identifiers: MedGen C1843761, MONDO:0011852, OMIM 607523.
Recessive dystrophic epidermolysis bullosa (RDEB). Also called: severe generalized recessive dystrophic epidermolysis bullosa; EPIDERMOLYSIS BULLOSA DYSTROPHICA, GENERALIZED SEVERE, AUTOSOMAL RECESSIVE; DYSTROPHIC EPIDERMOLYSIS BULLOSA, AUTOSOMAL RECESSIVE; EPIDERMOLYSIS BULLOSA DYSTROPHICA, HALLOPEAU-SIEMENS TYPE; epidermolysis bullosa dystrophica, autosomal recessive; Recessive DEB (RDEB). Identifiers: Orphanet 79408, Orphanet 79409, MedGen C0079474, MONDO:0009179, OMIM 226600.
Dominant dystrophic epidermolysis bullosa with absence of skin. Also called: EPIDERMOLYSIS BULLOSA WITH CONGENITAL LOCALIZED ABSENCE OF SKIN AND DEFORMITY OF NAILS; EPIDERMOLYSIS BULLOSA DYSTROPHICA, BART TYPE. Identifiers: MedGen C0268371, MONDO:0007557, OMIM 132000.
Generalized dominant dystrophic epidermolysis bullosa (DDEB). Also called: Dominant DEB (DDEB); DDEB, generalized; DDEB-gen; DYSTROPHIC EPIDERMOLYSIS BULLOSA, AUTOSOMAL DOMINANT; Epidermolysis bullosa dystrophica, autosomal dominant. Identifiers: Orphanet 231568, MedGen C0432322, MONDO:0007549, OMIM 131750.
Epidermolysis bullosa pruriginosa. Also called: DEB, PRURIGINOSA; DYSTROPHIC EPIDERMOLYSIS BULLOSA PRURIGINOSA. Identifiers: Orphanet 89843, MedGen C1275114, MONDO:0011398, OMIM 604129.
Transient bullous dermolysis of the newborn (TBDN). Also called: DYSTROPHIC EPIDERMOLYSIS BULLOSA, NEONATAL; EPIDERMOLYSIS BULLOSA DYSTROPHICA, NEONATAL FORM. Identifiers: Orphanet 79411, MedGen C1851573, MONDO:0007548, OMIM 131705.
Pretibial dystrophic epidermolysis bullosa. Also called: Pretibial epidermolysis bullosa; EPIDERMOLYSIS BULLOSA DYSTROPHICA, PRETIBIAL; Pretibial blistering. Identifiers: Orphanet 79410, MedGen C0432321, MONDO:0007552, OMIM 131850, HP:0012221.

Submissions (2):

Labcorp Genetics (formerly Invitae), Labcorp
Classification: Pathogenic. Last evaluated: 2024-11-21. Review status: criteria provided, single submitter. Criteria: Invitae Variant Classification Sherloc (09022015). Collection method: clinical testing. Allele origin: germline.
Comment: This sequence change affects an acceptor splice site in intron 110 of the COL7A1 gene. It is expected to disrupt splicing. Variants that disrupt the donor or acceptor splice site typically lead to a loss of protein function (PMID: 16199547), and loss-of-function variants in COL7A1 are known to be disease-causing for autosomal recessive dystrophic epidermolysis bullosa (PMID: 16971478). However, certain variants affecting donor or acceptor splice sites in the triple helical domain of COL7A1 are expected to result in in-frame exon skipping and have been reported to cause autosomal dominant dystrophic epidermolysis bullosa (PMID: 31670143). This variant is not present in population databases (gnomAD no frequency). Disruption of this splice site has been observed in individual(s) with autosomal recessive dystrophic epidermolysis bullosa (RDEB) (PMID: 25877244, 36287101). In at least one individual the data is consistent with being in trans (on the opposite chromosome) from a pathogenic variant. This variant is also known as IVS110-1G>A. Algorithms developed to predict the effect of sequence changes on RNA splicing suggest that this variant may disrupt the consensus splice site. For these reasons, this variant has been classified as Pathogenic.

Fulgent Genetics
Classification: Likely pathogenic for Transient bullous dermolysis of the newborn; Generalized dominant dystrophic epidermolysis bullosa; Pretibial dystrophic epidermolysis bullosa; Dominant dystrophic epidermolysis bullosa with absence of skin; Recessive dystrophic epidermolysis bullosa; Epidermolysis bullosa pruriginosa; Nonsyndromic congenital nail disorder 8. Last evaluated: 2024-02-20. Review status: criteria provided, single submitter. Criteria: ACMG Guidelines, 2015. Collection method: clinical testing. Allele origin: germline.

Literature cited by the submitters: PubMed 16199547 (cited by Labcorp Genetics (formerly Invitae), Labcorp); PubMed 16971478 (cited by Labcorp Genetics (formerly Invitae), Labcorp); PubMed 31670143 (cited by Labcorp Genetics (formerly Invitae), Labcorp); PubMed 25877244 (cited by Labcorp Genetics (formerly Invitae), Labcorp); PubMed 36287101 (cited by Labcorp Genetics (formerly Invitae), Labcorp).